The following is an entry in ClinVar:

NM_000059.4(BRCA2):c.899_900insTC (p.Asp301fs)

Gene: BRCA2 (BRCA2 DNA repair associated; plus strand). Cytogenetic location: 13q13.1.
Variant type: Insertion.
Coding change: c.899_900insTC on transcript NM_000059.4 (MANE Select); coding-DNA positions 899 to 900, TC inserted.
Protein change: p.Asp301fs; shifts the reading frame from aspartic acid 301.
Molecular consequence: frameshift variant. On other transcripts: non-coding transcript variant (1), intron variant (1).
Genome position: GRCh38 VCF-style: chr13-32332377-T-TTC. GRCh37 (hg19) VCF-style: chr13-32906514-T-TTC.
Other names: c.899_900insTC, p.Asp301fs (NM_001406719.1, NM_001406720.1, NM_001406721.1); c.424+1347_424+1348insTC (NM_001406722.1); short protein forms D301fs.
Identifiers: ClinVar variation 2830686 (VCV002830686.5), dbSNP rs2548519072, ClinGen allele CA2739277533.
Genomic context (GRCh38, chr13:32,332,377, plus strand): 5'-AAGACCACATTGGAAAGTCAATGCCAAATGTCCTAGAAGATGAAGTATATGAAACAGTTG[T>TTC]AGATACCTCTGAAGAAGATAGTTTTTCATTATGTTTTTCTAAATGTAGAACAAAAAATCT-3'

ClinVar aggregate classification (germline): Pathogenic. Review status: criteria provided, multiple submitters, no conflicts (2 of 4 stars). 2 submissions from 2 submitters: Pathogenic (2). Last evaluated 2024-02-02.

Conditions:
Hereditary breast ovarian cancer syndrome. Also called: Hereditary breast and ovarian cancer; BRCA1- and BRCA2-Associated Hereditary Breast and Ovarian Cancer; Hereditary breast and ovarian cancer syndrome; Hereditary breast and ovarian cancer syndrome (HBOC); Breast and ovarian cancer; Hereditary breast and/or ovarian cancer syndrome. Identifiers: Orphanet 145, MedGen C0677776, MeSH D061325, MONDO:0003582. Disease mechanism: loss of function.

Submissions (2):

Women's Health and Genetics/Laboratory Corporation of America, LabCorp
Classification: Pathogenic for Hereditary breast ovarian cancer syndrome. Last evaluated: 2024-02-02. Review status: criteria provided, single submitter. Criteria: LabCorp Variant Classification Summary - May 2015. Collection method: clinical testing. Allele origin: germline.
Comment: Variant summary: BRCA2 c.899_900insTC (p.Asp301GlnfsX24) results in a premature termination codon, predicted to cause a truncation of the encoded protein or absence of the protein due to nonsense mediated decay, which are commonly known mechanisms for disease. The variant was absent in 239980 control chromosomes (gnomAD). To our knowledge, no occurrence of c.899_900insTC in individuals affected with Hereditary Breast And Ovarian Cancer Syndrome and no experimental evidence demonstrating its impact on protein function have been reported. No submitters have cited clinical-significance assessments for this variant to ClinVar. Based on the evidence outlined above, the variant was classified as pathogenic.

Labcorp Genetics (formerly Invitae), Labcorp
Classification: Pathogenic for Hereditary breast ovarian cancer syndrome. Last evaluated: 2023-01-20. Review status: criteria provided, single submitter. Criteria: Invitae Variant Classification Sherloc (09022015). Collection method: clinical testing. Allele origin: germline.
Comment: This sequence change creates a premature translational stop signal (p.Asp301Glnfs*24) in the BRCA2 gene. It is expected to result in an absent or disrupted protein product. Loss-of-function variants in BRCA2 are known to be pathogenic (PMID: 20104584). This variant is not present in population databases (gnomAD no frequency). This variant has not been reported in the literature in individuals affected with BRCA2-related conditions. For these reasons, this variant has been classified as Pathogenic.

Literature cited by the submitters: PubMed 20104584 (cited by Labcorp Genetics (formerly Invitae), Labcorp).